The following is an entry in ClinVar:

NM_138395.4(MARS2):c.888G>C (p.Glu296Asp)

Gene: MARS2 (methionyl-tRNA synthetase 2, mitochondrial; plus strand). Cytogenetic location: 2q33.1.
Variant type: single nucleotide variant.
Coding change: c.888G>C on transcript NM_138395.4 (MANE Select); coding-DNA position 888, G replaced by C.
Protein change: p.Glu296Asp; replaces glutamic acid 296 with aspartic acid.
Molecular consequence: missense variant.
Genome position (GRCh38, 1-based): chr2:197,706,293, G>C. VCF-style: chr2-197706293-G-C. GRCh37 (hg19) VCF-style: chr2-198571017-G-C.
Other names: short protein forms E296D.
Identifiers: ClinVar variation 4686249 (VCV004686249.1).

ClinVar aggregate classification (germline): Uncertain significance (1 of 4 stars; one submission).

Submission:

GeneDx
Classification: Uncertain significance. Last evaluated: 2025-07-16. Review status: criteria provided, single submitter. Criteria: GeneDx Variant Classification Process June 2021. Collection method: clinical testing. Allele origin: germline. Affected: yes.
Comment: Not observed at significant frequency in large population cohorts (gnomAD); In silico analysis suggests that this missense variant does not alter protein structure/function; Has not been previously published as pathogenic or benign to our knowledge